The following is an entry in ClinVar:

NM_021930.6(RINT1):c.1359G>A (p.Met453Ile)

Gene: RINT1 (RAD50 interactor 1; plus strand). Cytogenetic location: 7q22.3.
Variant type: single nucleotide variant.
Coding change: c.1359G>A on transcript NM_021930.6 (MANE Select); coding-DNA position 1359, G replaced by A.
Protein change: p.Met453Ile; replaces methionine 453 with isoleucine.
Molecular consequence: missense variant. On other transcripts: non-coding transcript variant (1).
Genome position (GRCh38, 1-based): chr7:105,551,595, G>A. VCF-style: chr7-105551595-G-A. GRCh37 (hg19) VCF-style: chr7-105192042-G-A.
Other names: c.1125G>A, p.Met375Ile (NM_001346599.2); c.336G>A, p.Met112Ile (NM_001346600.2, NM_001346603.2); c.435G>A, p.Met145Ile (NM_001346601.2); short protein forms M112I, M453I, M145I, M375I.
Identifiers: ClinVar variation 3945978 (VCV003945978.1).

ClinVar aggregate classification (germline): Uncertain significance (1 of 4 stars; one submission).

Submission:

Ambry Genetics
Classification: Uncertain significance. Last evaluated: 2025-04-06. Review status: criteria provided, single submitter. Criteria: Ambry Variant Classification Scheme 2023. Collection method: clinical testing. Allele origin: germline.
Comment: The p.M453I variant (also known as c.1359G>A), located in coding exon 10 of the RINT1 gene, results from a G to A substitution at nucleotide position 1359. The methionine at codon 453 is replaced by isoleucine, an amino acid with highly similar properties. This amino acid position is conserved. In addition, this alteration is predicted to be tolerated by in silico analysis. Based on the available evidence, the clinical significance of this variant remains unclear.